The following is an entry in ClinVar:

ClinVar aggregate classification (germline): Uncertain significance (1 of 4 stars; one submission).

Conditions:
Holoprosencephaly 5 (HPE5). Identifiers: Orphanet 2162, MedGen C1864827, MONDO:0012322, OMIM 609637.

Submission:

Labcorp Genetics (formerly Invitae), Labcorp
Classification: Uncertain significance for Holoprosencephaly 5. Last evaluated: 2024-10-21. Review status: criteria provided, single submitter. Criteria: Invitae Variant Classification Sherloc (09022015). Collection method: clinical testing. Allele origin: germline.
Comment: This variant, c.1368_1376dup, results in the insertion of 3 amino acid(s) of the ZIC2 protein (p.Ala468_Ala470dup), but otherwise preserves the integrity of the reading frame. The frequency data for this variant in the population databases is considered unreliable, as metrics indicate poor data quality at this position in the gnomAD database. This variant has not been reported in the literature in individuals affected with ZIC2-related conditions. In summary, the available evidence is currently insufficient to determine the role of this variant in disease. Therefore, it has been classified as a Variant of Uncertain Significance.

NM_007129.5(ZIC2):c.1368GGC[6] (p.Ala470_Val471insAlaAlaAla)

Genes: ZIC2 (Zic family zinc finger 2; plus strand), LOC110008580 (Zic family member 2 polyalanine repeat instability region; plus strand). Cytogenetic location: 13q32.3.
Variant type: Microsatellite.
Coding change: c.1368GGC[6] on transcript NM_007129.5 (MANE Select); six copies in a row of the 3-base unit GGC starting at c.1368; the reference has three copies in a row; three copies, 9 bases duplicated.
Protein change: p.Ala470_Val471insAlaAlaAla.
Genome position (GRCh38, 1-based): chr13:99,985,451-99,985,459, GGCGGCGGC duplicated; duplicating any 9 consecutive bases within chr13:99,985,449-99,985,459 gives the same sequence; the position shown is the placement nearest the transcript's 3' end. VCF-style (leftmost placement, unchanged base first): chr13-99985448-A-AGCGGCGGCG. GRCh37 (hg19) VCF-style: chr13-100637702-A-AGCGGCGGCG.
Identifiers: ClinVar variation 3649809 (VCV003649809.2).
Genomic context (GRCh38, chr13:99,985,448, plus strand): 5'-CACGCCCCCGGGGCTGGTGTCCCCCAGCGCCGAGCCCCAGAGCAGCTCCAACCTGTCCCC[A>AGCGGCGGCG]GCGGCGGCGGCAGCGGCGGCGGCGGCTGCGGCGGCGGCGGCCGCGGTGTCCGCGGTGCAC-3'